The following is an entry in ClinVar:

NM_005585.5(SMAD6):c.218G>A (p.Gly73Glu)

Gene: SMAD6 (SMAD family member 6; plus strand). Cytogenetic location: 15q22.31.
Variant type: single nucleotide variant.
Coding change: c.218G>A on transcript NM_005585.5 (MANE Select); coding-DNA position 218, G replaced by A.
Protein change: p.Gly73Glu; replaces glycine 73 with glutamic acid.
Molecular consequence: missense variant. On other transcripts: non-coding transcript variant (1).
Genome position (GRCh38, 1-based): chr15:66,703,476, G>A. VCF-style: chr15-66703476-G-A. GRCh37 (hg19) VCF-style: chr15-66995814-G-A.
Other names: short protein forms G73E.
Identifiers: ClinVar variation 4527441 (VCV004527441.1).

ClinVar aggregate classification (germline): Uncertain significance (1 of 4 stars; one submission).

Submission:

GeneDx
Classification: Uncertain significance. Last evaluated: 2025-04-24. Review status: criteria provided, single submitter. Criteria: GeneDx Variant Classification Process June 2021. Collection method: clinical testing. Allele origin: germline. Affected: yes.
Comment: Not observed at significant frequency in large population cohorts (gnomAD); In silico analysis indicates that this missense variant does not alter protein structure/function; Has not been previously published as pathogenic or benign to our knowledge